The following is an entry in ClinVar:

ClinVar aggregate classification (germline): Uncertain significance (1 of 4 stars; one submission).

Conditions:
Alzheimer disease. Also called: Presenile and senile dementia; Alzheimer's disease. Identifiers: Orphanet 1020, MedGen C0002395, MeSH D000544, MONDO:0004975, HP:0002511.

Allele frequency attached by ClinVar (database versions not stated): gnomAD exomes below 0.00001; TOPMed below 0.00001.
gnomAD v4.1: 1 of 1,613,562 alleles (0.000062%); highest among the groups gnomAD compares: Non-Finnish European, 0.000085%; no homozygotes.

Submission:

Labcorp Genetics (formerly Invitae), Labcorp
Classification: Uncertain significance for Alzheimer disease. Last evaluated: 2022-03-31. Review status: criteria provided, single submitter. Criteria: Invitae Variant Classification Sherloc (09022015). Collection method: clinical testing. Allele origin: germline.
Comment: In summary, the available evidence is currently insufficient to determine the role of this variant in disease. Therefore, it has been classified as a Variant of Uncertain Significance. Algorithms developed to predict the effect of missense changes on protein structure and function are either unavailable or do not agree on the potential impact of this missense change (SIFT: "Deleterious"; PolyPhen-2: "Not Available"; Align-GVGD: "Class C25"). This variant has not been reported in the literature in individuals affected with APP-related conditions. This variant is not present in population databases (gnomAD no frequency). This sequence change replaces histidine, which is basic and polar, with arginine, which is basic and polar, at codon 149 of the APP protein (p.His149Arg).

NM_000484.4(APP):c.446A>G (p.His149Arg)

Gene: APP (amyloid beta precursor protein; minus strand). Cytogenetic location: 21q21.3.
Variant type: single nucleotide variant.
Coding change: c.446A>G on transcript NM_000484.4 (MANE Select); coding-DNA position 446, A replaced by G.
Protein change: p.His149Arg; replaces histidine 149 with arginine.
Molecular consequence: missense variant.
Genome position (GRCh38, 1-based): chr21:26,053,258, T>C on the plus strand (A>G on the coding strand, the complement: APP is on the minus strand). VCF-style: chr21-26053258-T-C. GRCh37 (hg19) VCF-style: chr21-27425574-T-C.
Other names: c.431A>G, p.His144Arg (NM_001136016.3); c.278A>G, p.His93Arg (NM_001136129.3, NM_001136130.3); c.341A>G, p.His114Arg (NM_001136131.3); c.446A>G, p.His149Arg (NM_001204301.2, NM_001204302.2, NM_001204303.2 and 3 more transcripts); short protein forms H114R, H93R, H144R, H149R.
Identifiers: ClinVar variation 1938835 (VCV001938835.5), dbSNP rs200857049, ClinGen allele CA319558397.